The following is an entry in ClinVar:

NM_014254.3(RXYLT1):c.604G>A (p.Gly202Arg)

Gene: RXYLT1 (ribitol xylosyltransferase 1; plus strand). Cytogenetic location: 12q14.2.
Variant type: single nucleotide variant.
Coding change: c.604G>A on transcript NM_014254.3 (MANE Select); coding-DNA position 604, G replaced by A.
Protein change: p.Gly202Arg; replaces glycine 202 with arginine.
Molecular consequence: missense variant. On other transcripts: 5 prime UTR variant (1).
Genome position (GRCh38, 1-based): chr12:63,802,266, G>A. VCF-style: chr12-63802266-G-A. GRCh37 (hg19) VCF-style: chr12-64196046-G-A.
Other names: c.-177G>A (NM_001278237.2); short protein forms G202R.
Identifiers: ClinVar variation 639854 (VCV000639854.6), dbSNP rs771668001, ClinGen allele CA6666136.
Genomic context (GRCh38, chr12:63,802,266, plus strand): 5'-CTTTATGCACAAAATTTAGTGCAAATTCAAAAACTCCAGCATCTTGCTGTTGTTTTGCTC[G>A]GAAATGAACATTGTGATAATGAGTGGATAAACCCATTCCTCAAAAGAAATGGAGGCTTCG-3'
Protein context (NP_055069.1, residues 192-212): KLQHLAVVLL[Gly202Arg]NEHCDNEWIN

ClinVar aggregate classification (germline): Conflicting classifications of pathogenicity. Review status: criteria provided, conflicting classifications (1 of 4 stars). 2 submissions from 2 submitters: Likely pathogenic (1); Uncertain significance (1). Last evaluated 2024-07-10.

Conditions:
Muscular dystrophy-dystroglycanopathy (congenital with brain and eye anomalies), type a, 10 (MDDGA10). Also called: WALKER-WARBURG SYNDROME OR MUSCLE-EYE-BRAIN DISEASE, TMEM5-RELATED. Identifiers: Orphanet 899, MedGen C3554381, MONDO:0014022, OMIM 615041.

Allele frequency attached by ClinVar (database versions not stated): gnomAD exomes 0.00001 and 0.00002; TOPMed 0.00001; ExAC 0.00003; gnomAD 0.00003.

Submissions (2):

MVZ Praenatalmedizin und Genetik Nuernberg
Classification: Likely pathogenic for Muscular dystrophy-dystroglycanopathy (congenital with brain and eye anomalies), type a, 10. Last evaluated: 2024-07-10. Review status: criteria provided, single submitter. Criteria: ACMG Guidelines, 2015. Collection method: clinical testing. Allele origin: biparental. Affected: yes.
Comment: This very rare variant (gnomAD v4: 23 alleles) was listed in ClinVar only with one entry as uncertain. A literature search did not yield any additional information. Computer-based predictions (in silico) conducted for this purpose have resulted in a pathogenic assessment of the variant. However, no functional analyses are available to date. The fetal phenotypes observed in the family overlap with those described in the literature for RXYLT1 cases: RXYLT1 has been reported as causative in fetal cases of severe cobblestone lissencephaly, frequently associated with gonadal dysgenesis and neural tube defects (PMID:23217329). In summary we assess this variant to be likely pathogenic.

Labcorp Genetics (formerly Invitae), Labcorp
Classification: Uncertain significance. Last evaluated: 2024-04-05. Review status: criteria provided, single submitter. Criteria: Invitae Variant Classification Sherloc (09022015). Collection method: clinical testing. Allele origin: germline.
Comment: This sequence change replaces glycine, which is neutral and non-polar, with arginine, which is basic and polar, at codon 202 of the TMEM5 protein (p.Gly202Arg). This variant is present in population databases (rs771668001, gnomAD 0.01%). This variant has not been reported in the literature in individuals affected with TMEM5-related conditions. ClinVar contains an entry for this variant (Variation ID: 639854). Advanced modeling of protein sequence and biophysical properties (such as structural, functional, and spatial information, amino acid conservation, physicochemical variation, residue mobility, and thermodynamic stability) performed at Invitae indicates that this missense variant is expected to disrupt TMEM5 protein function with a positive predictive value of 80%. Algorithms developed to predict the effect of sequence changes on RNA splicing suggest that this variant may create or strengthen a splice site. In summary, the available evidence is currently insufficient to determine the role of this variant in disease. Therefore, it has been classified as a Variant of Uncertain Significance.

Literature cited by the submitters: PubMed 23217329 (cited by MVZ Praenatalmedizin und Genetik Nuernberg).